The following is an entry in ClinVar:

ClinVar aggregate classification (germline): Likely benign. Review status: criteria provided, multiple submitters, no conflicts (2 of 4 stars). 2 submissions from 2 submitters: Likely benign (2). Last evaluated 2023-02-05.

Conditions:
MPDU1-congenital disorder of glycosylation. Also called: CONGENITAL DISORDER OF GLYCOSYLATION, TYPE If; CDG If; MPDU1-CDG. Identifiers: Orphanet 79323, MedGen C1836669, MONDO:0012211, OMIM 609180.

Allele frequency attached by ClinVar (database versions not stated): gnomAD 0.00002 and 0.00005; TOPMed 0.00002; gnomAD exomes 0.00011 and 0.00020; 1000 Genomes Project 30x 0.00016; 1000 Genomes Project 0.00020; ExAC 0.00021.
gnomAD v4.1: 161 of 1,613,808 alleles (0.01%); highest among the groups gnomAD compares: South Asian, 0.14%; no homozygotes.

Submissions (2):

Labcorp Genetics (formerly Invitae), Labcorp
Classification: Likely benign for MPDU1-congenital disorder of glycosylation. Last evaluated: 2023-02-05. Review status: criteria provided, single submitter. Criteria: Invitae Variant Classification Sherloc (09022015). Collection method: clinical testing. Allele origin: germline.

GeneDx
Classification: Likely benign. Last evaluated: 2018-05-18. Review status: criteria provided, single submitter. Criteria: GeneDx Variant Classification (06012015). Collection method: clinical testing. Allele origin: germline. Affected: yes.
Comment: This variant is considered likely benign or benign based on one or more of the following criteria: it is a conservative change, it occurs at a poorly conserved position in the protein, it is predicted to be benign by multiple in silico algorithms, and/or has population frequency not consistent with disease.

NM_004870.4(MPDU1):c.672C>T (p.Asn224=)

Gene: MPDU1 (mannose-P-dolichol utilization defect 1; plus strand). Cytogenetic location: 17p13.1.
Variant type: single nucleotide variant.
Coding change: c.672C>T on transcript NM_004870.4 (MANE Select); coding-DNA position 672, C replaced by T.
Protein change: p.Asn224=; no amino-acid change (asparagine 224 retained).
Molecular consequence: synonymous variant. On other transcripts: 3 prime UTR variant (1), non-coding transcript variant (1).
Genome position (GRCh38, 1-based): chr17:7,587,479, C>T. VCF-style: chr17-7587479-C-T. GRCh37 (hg19) VCF-style: chr17-7490797-C-T.
Other names: c.*35C>T (NM_001330073.1).
Identifiers: ClinVar variation 682554 (VCV000682554.9), dbSNP rs535356783, ClinGen allele CA8353037.